The following is an entry in ClinVar:

ClinVar aggregate classification (germline): Uncertain significance (1 of 4 stars; one submission).

Submission:

GeneDx
Classification: Uncertain significance. Last evaluated: 2025-03-05. Review status: criteria provided, single submitter. Criteria: GeneDx Variant Classification Process June 2021. Collection method: clinical testing. Allele origin: germline. Affected: yes.
Comment: Not observed at significant frequency in large population cohorts (gnomAD); In silico analysis indicates that this missense variant does not alter protein structure/function; Has not been previously published as pathogenic or benign to our knowledge

NM_013436.5(NCKAP1):c.2707G>A (p.Val903Ile)

Gene: NCKAP1 (NCK associated protein 1; minus strand). Cytogenetic location: 2q32.1.
Variant type: single nucleotide variant.
Coding change: c.2707G>A on transcript NM_013436.5 (MANE Select); coding-DNA position 2707, G replaced by A.
Protein change: p.Val903Ile; replaces valine 903 with isoleucine.
Molecular consequence: missense variant.
Genome position (GRCh38, 1-based): chr2:182,935,364, C>T on the plus strand (G>A on the coding strand, the complement: NCKAP1 is on the minus strand). VCF-style: chr2-182935364-C-T. GRCh37 (hg19) VCF-style: chr2-183800092-C-T.
Other names: c.2701G>A, p.Val901Ile (NM_001437266.1); c.2719G>A, p.Val907Ile (NM_001437267.1); c.2725G>A, p.Val909Ile (NM_205842.3); short protein forms V901I, V903I, V907I, V909I.
Identifiers: ClinVar variation 4083038 (VCV004083038.1).